The following is an entry in ClinVar:

NM_000053.4(ATP7B):c.745T>C (p.Leu249=)

Gene: ATP7B (ATPase copper transporting beta; minus strand). Cytogenetic location: 13q14.3.
Variant type: single nucleotide variant.
Coding change: c.745T>C on transcript NM_000053.4 (MANE Select); coding-DNA position 745, T replaced by C.
Protein change: p.Leu249=; no amino-acid change (leucine 249 retained).
Molecular consequence: synonymous variant.
Genome position (GRCh38, 1-based): chr13:51,974,475, A>G on the plus strand (T>C on the coding strand, the complement: ATP7B is on the minus strand). VCF-style: chr13-51974475-A-G. GRCh37 (hg19) VCF-style: chr13-52548611-A-G.
Other names: c.745T>C, p.Leu249= (NM_001005918.3, NM_001243182.2, NM_001330578.2 and 1 more transcripts).
Identifiers: ClinVar variation 1157016 (VCV001157016.11), dbSNP rs756002947, ClinGen allele CA6989505.

ClinVar aggregate classification (germline): Likely benign. Review status: criteria provided, multiple submitters, no conflicts (2 of 4 stars). 2 submissions from 2 submitters: Likely benign (2). Last evaluated 2023-07-10.

Conditions:
Wilson disease (WND). Also called: Wilson's disease. Identifiers: Orphanet 905, MedGen C0019202, MONDO:0010200, OMIM 277900. Disease mechanism: loss of function.

Allele frequency attached by ClinVar (database versions not stated): gnomAD exomes below 0.00001 and 0.00001; ExAC 0.00001; gnomAD 0.00001; TOPMed 0.00001.

Submissions (2):

Labcorp Genetics (formerly Invitae), Labcorp
Classification: Likely benign for Wilson disease. Last evaluated: 2023-07-10. Review status: criteria provided, single submitter. Criteria: Invitae Variant Classification Sherloc (09022015). Collection method: clinical testing. Allele origin: germline.

All of Us Research Program, National Institutes of Health
Classification: Likely benign for Wilson disease. Last evaluated: 2023-06-08. Review status: criteria provided, single submitter. Criteria: ACMG Guidelines, 2015. Collection method: clinical testing. Allele origin: germline. Inheritance: Autosomal recessive inheritance. Observed: 1 variant allele, 1 heterozygote.
Comment: This study involves interpretation of variants in research participants for the purpose of population health screening. Participant phenotype was not available at the time of variant classification. Additional details can be found in publication PMID: 35346344, PMCID: PMC8962531